The following is an entry in ClinVar:

NM_000834.5(GRIN2B):c.2172-10del

Gene: GRIN2B (glutamate ionotropic receptor NMDA type subunit 2B; minus strand). Cytogenetic location: 12p13.1.
Variant type: Deletion.
Coding change: c.2172-10del on transcript NM_000834.5 (MANE Select); 10 bases into the intron before coding-DNA position 2172, one base deleted (T; older notation c.2172-10delT).
Molecular consequence: intron variant.
Genome position (GRCh38, 1-based): chr12:13,570,027, A deleted on the plus strand (T on the coding strand, the reverse complement: GRIN2B is on the minus strand); the first of 6 consecutive A bases (chr12:13,570,027-13,570,032); deleting any one gives the same sequence. VCF-style (leftmost placement, unchanged base first): chr12-13570026-GA-G. GRCh37 (hg19) VCF-style: chr12-13722960-GA-G.
Other names: c.2172-10delT (NM_000834.3, NM_000834.5).
Identifiers: ClinVar variation 516106 (VCV000516106.16), dbSNP rs761900678, ClinGen allele CA6461100.

ClinVar aggregate classification (germline): Benign/Likely benign. Review status: criteria provided, multiple submitters, no conflicts (2 of 4 stars). 5 submissions from 5 submitters: Benign (1); Likely benign (3). 1 of the submissions does not count toward it. Last evaluated 2026-04-08.

Conditions:
GRIN2B-related disorder. Also called: GRIN2B-related condition.
Developmental and epileptic encephalopathy, 27 (DEE27). Also called: GRIN2B-Related Neurodevelopmental Disorder; Epileptic encephalopathy, early infantile, 27. Identifiers: Orphanet 3451, MedGen C4015316, MONDO:0014505, OMIM 616139.
Intellectual developmental disorder, autosomal dominant 6, with or without seizures. Also called: GRIN2B-related developmental delay, intellectual disability and autism spectrum disorder; Intellectual disability, autosomal dominant 6. Identifiers: Orphanet 589547, MedGen C3151411, MONDO:0013509, OMIM 613970.

Submissions (5):

Women's Health and Genetics/Laboratory Corporation of America, LabCorp
Classification: Likely benign. Last evaluated: 2026-04-08. Review status: criteria provided, single submitter. Criteria: LabCorp Variant Classification Summary - May 2015. Collection method: clinical testing. Allele origin: germline.
Comment: Variant summary: GRIN2B c.2172-10delT alters a non-conserved nucleotide located at a position not widely known to affect splicing. Consensus agreement among computation tools predict no significant impact on normal splicing. However, these predictions have yet to be confirmed by functional studies. The variant allele was found at a frequency of 0.00014 in 249994 control chromosomes. This frequency is not significantly higher than estimated for disease-causing variants in GRIN2B, allowing no conclusion about variant significance. To our knowledge, no occurrence of c.2172-10delT in individuals affected with GRIN2B-related conditions and no experimental evidence demonstrating its impact on protein function have been reported. ClinVar contains an entry for this variant (Variation ID: 516106). Based on the evidence outlined above, the variant was classified as likely benign.

Labcorp Genetics (formerly Invitae), Labcorp
Classification: Benign for Developmental and epileptic encephalopathy, 27; Intellectual developmental disorder, autosomal dominant 6, with or without seizures. Last evaluated: 2025-11-13. Review status: criteria provided, single submitter. Criteria: Invitae Variant Classification Sherloc (09022015). Collection method: clinical testing. Allele origin: germline.

Blueprint Genetics
Classification: Likely benign. Last evaluated: 2024-09-26. Review status: criteria provided, single submitter. Criteria: ACMG Guidelines, 2015. Collection method: clinical testing. Allele origin: germline.

GeneDx
Classification: Likely benign. Last evaluated: 2017-04-13. Review status: criteria provided, single submitter. Criteria: GeneDx Variant Classification (06012015). Collection method: clinical testing. Allele origin: germline. Affected: yes.
Comment: This variant is considered likely benign or benign based on one or more of the following criteria: it is a conservative change, it occurs at a poorly conserved position in the protein, it is predicted to be benign by multiple in silico algorithms, and/or has population frequency not consistent with disease.

PreventionGenetics, part of Exact Sciences
Classification: Likely benign for GRIN2B-related condition. Last evaluated: 2021-03-31. Review status: no assertion criteria provided. Collection method: clinical testing. Allele origin: germline. Not counted in ClinVar's aggregate classification.
Comment: This variant is classified as likely benign based on ACMG/AMP sequence variant interpretation guidelines (Richards et al. 2015 PMID: 25741868, with internal and published modifications).